The following is an entry in ClinVar:

NM_001199107.2(TBC1D24):c.317T>A (p.Leu106Gln)

Gene: TBC1D24 (TBC1 domain family member 24; plus strand). Cytogenetic location: 16p13.3.
Variant type: single nucleotide variant.
Coding change: c.317T>A on transcript NM_001199107.2 (MANE Select); coding-DNA position 317, T replaced by A.
Protein change: p.Leu106Gln; replaces leucine 106 with glutamine.
Molecular consequence: missense variant.
Genome position (GRCh38, 1-based): chr16:2,496,465, T>A. VCF-style: chr16-2496465-T-A. GRCh37 (hg19) VCF-style: chr16-2546466-T-A.
Other names: c.317T>A, p.Leu106Gln (NM_020705.3); short protein forms L106Q.
Identifiers: ClinVar variation 2097829 (VCV002097829.4), dbSNP rs2505513132, ClinGen allele CA394375490.
Genomic context (GRCh38, chr16:2,496,465, plus strand): 5'-GCAGCAGCTGCCTGCCGCTGCCCGAGTTCGTGGACAACACGCAGGTGCCCAGCTACTGCC[T>A]GAATGCACGCGGCGAGGGGGCCGTGCGCAAGATCCTCCTGTGCCTGGCCAACCAGTTCCC-3'
Protein context (NP_001186036.1, residues 96-116): VDNTQVPSYC[Leu106Gln]NARGEGAVRK

ClinVar aggregate classification (germline): Uncertain significance (1 of 4 stars; one submission).

Conditions:
Developmental and epileptic encephalopathy, 1 (DEE1). Also called: X-linked infantile spasms; West's syndrome; Tonic spasms with clustering, arrest of psychomotor development and hypsarrhythmia on EEG; X-Linked Infantile Spasm Syndrome; OHTAHARA SYNDROME, X-LINKED; INFANTILE SPASM SYNDROME, X-LINKED 1. Identifiers: MedGen C3463992, MONDO:0010632, OMIM 308350. Disease mechanism: loss of function.
Autosomal dominant nonsyndromic hearing loss 65. Also called: Deafness, autosomal dominant 65; TBC1D24-Related Autosomal Dominant Nonsyndromic Hearing Loss (DFNA). Identifiers: Orphanet 90635, MedGen C3892048, MONDO:0014470, OMIM 616044.

Submission:

Labcorp Genetics (formerly Invitae), Labcorp
Classification: Uncertain significance for Developmental and epileptic encephalopathy, 1; Autosomal dominant nonsyndromic hearing loss 65. Last evaluated: 2022-02-17. Review status: criteria provided, single submitter. Criteria: Invitae Variant Classification Sherloc (09022015). Collection method: clinical testing. Allele origin: germline.
Comment: This variant has not been reported in the literature in individuals affected with TBC1D24-related conditions. In summary, the available evidence is currently insufficient to determine the role of this variant in disease. Therefore, it has been classified as a Variant of Uncertain Significance. Advanced modeling of protein sequence and biophysical properties (such as structural, functional, and spatial information, amino acid conservation, physicochemical variation, residue mobility, and thermodynamic stability) performed at Invitae indicates that this missense variant is expected to disrupt TBC1D24 protein function. This variant is not present in population databases (gnomAD no frequency). This sequence change replaces leucine, which is neutral and non-polar, with glutamine, which is neutral and polar, at codon 106 of the TBC1D24 protein (p.Leu106Gln).